The following is an entry in ClinVar:

ClinVar aggregate classification (germline): Benign/Likely benign. Review status: criteria provided, multiple submitters, no conflicts (2 of 4 stars). 16 submissions from 16 submitters: Benign (12); Likely benign (4). Last evaluated 2026-09-01.

Conditions:
Inborn genetic diseases. Identifiers: MedGen C0950123, MeSH D030342.
Developmental and epileptic encephalopathy, 12 (DEE12). Identifiers: MedGen C3150988, MONDO:0013389, OMIM 613722.
Microcephaly, seizures, and developmental delay. Identifiers: Orphanet 1934, MedGen C3150667, MONDO:0013254, OMIM 613402.

Allele frequency attached by ClinVar (database versions not stated): gnomAD 0.00891 and 0.00946; 1000 Genomes Project 0.00659; 1000 Genomes Project 30x 0.00656; ESP Exome Variant Server 0.00900; TOPMed 0.01055.
gnomAD v4.1: 14,370 of 1,612,296 alleles (0.89%); highest among the groups gnomAD compares: Middle Eastern, 1.5%; 84 homozygotes.

Submissions (16):

CeGaT Center for Human Genetics Tuebingen
Classification: Benign. Last evaluated: 2026-09-01. Review status: criteria provided, single submitter. Criteria: CeGaT Center For Human Genetics Tuebingen Variant Classification Criteria Version 2. Collection method: clinical testing. Allele origin: germline. Affected: yes. Observed: 78 variant alleles.
Comment: PNKP: BS1, BS2

Labcorp Genetics (formerly Invitae), Labcorp
Classification: Benign for Developmental and epileptic encephalopathy, 12. Last evaluated: 2026-02-03. Review status: criteria provided, single submitter. Criteria: Invitae Variant Classification Sherloc (09022015). Collection method: clinical testing. Allele origin: germline.

Genomic Medicine Center of Excellence, King Faisal Specialist Hospital and Research Centre
Classification: Likely benign. Last evaluated: 2025-08-18. Review status: criteria provided, single submitter. Criteria: ACMG Guidelines, 2015. Collection method: clinical testing. Allele origin: germline.

ARUP Laboratories, Molecular Genetics and Genomics, ARUP Laboratories
Classification: Benign. Last evaluated: 2025-01-28. Review status: criteria provided, single submitter. Criteria: ARUP Molecular Germline Variant Investigation Process 2024. Collection method: clinical testing. Allele origin: germline.

Blueprint Genetics
Classification: Likely benign. Last evaluated: 2024-11-28. Review status: criteria provided, single submitter. Criteria: ACMG Guidelines, 2015. Collection method: clinical testing. Allele origin: germline.

Mayo Clinic Laboratories, Mayo Clinic
Classification: Benign. Last evaluated: 2019-11-19. Review status: criteria provided, single submitter. Criteria: ACMG Guidelines, 2015. Collection method: clinical testing. Allele origin: germline. Observed: 40 variant alleles.

Mendelics
Classification: Benign. Last evaluated: 2019-05-28. Review status: criteria provided, single submitter. Criteria: Mendelics Assertion Criteria 2017. Collection method: clinical testing. Allele origin: unknown.

GeneDx
Classification: Benign. Last evaluated: 2018-11-08. Review status: criteria provided, single submitter. Criteria: GeneDx Variant Classification Process June 2021. Collection method: clinical testing. Allele origin: germline. Affected: yes.
Comment: This variant is associated with the following publications: (PMID: 27470939, 23708187, 26993267, 25728773, 27125728)

Clinical Genetics DNA and cytogenetics Diagnostics Lab, Erasmus MC, Erasmus Medical Center
Classification: Benign for Microcephaly, seizures, and developmental delay. Last evaluated: 2017-05-31. Review status: criteria provided, single submitter. Criteria: ACGS Guidelines, 2013. Collection method: clinical testing. Allele origin: germline. Affected: yes. Study: VKGL Data-share Consensus.

Ambry Genetics
Classification: Benign for Inborn genetic diseases. Last evaluated: 2017-05-24. Review status: criteria provided, single submitter. Criteria: Ambry Variant Classification Scheme 2023. Collection method: clinical testing. Allele origin: germline.

Illumina Laboratory Services, Illumina
Classification: Benign for Microcephaly, seizures, and developmental delay. Last evaluated: 2017-04-27. Review status: criteria provided, single submitter. Criteria: ICSL Variant Classification Criteria 13 December 2019. Collection method: clinical testing. Allele origin: germline.
Comment: This variant was observed as part of a predisposition screen in an ostensibly healthy population. A literature search was performed for the gene, cDNA change, and amino acid change (where applicable). Publications were found based on this search. The evidence from the literature, in combination with allele frequency data from public databases where available, was sufficient to rule this variant out of causing disease. Therefore, this variant is classified as benign.

Laboratory for Molecular Medicine, Mass General Brigham Personalized Medicine
Classification: Likely benign. Last evaluated: 2016-06-02. Review status: criteria provided, single submitter. Criteria: LMM Criteria. Collection method: clinical testing. Allele origin: germline.
Comment: Variant identified in a genome or exome case(s) and assessed due to predicted null impact of the variant or pathogenic assertions in the literature or databases. Disclaimer: This variant has not undergone full assessment. The following are preliminary notes: reported in 1 homozygous individual with epileptic encephalopathy by Carvill, 2013. However, the frequency in ExAC (0.75% in ExAC) and the presence of 5 homozygotes in ExAC argue against a pathogenic role for this variant

Genome Diagnostics Laboratory, University Medical Center Utrecht
Classification: Benign for Microcephaly, seizures, and developmental delay. Last evaluated: 2014-10-09. Review status: criteria provided, single submitter. Criteria: ACGS Guidelines, 2013. Collection method: clinical testing. Allele origin: germline. Affected: yes. Study: VKGL Data-share Consensus.

Eurofins Ntd Llc (ga)
Classification: Benign. Last evaluated: 2013-09-06. Review status: criteria provided, single submitter. Criteria: EGL Classification Definitions 2015. Collection method: clinical testing. Allele origin: germline. Observed: 3 variant alleles, 3 heterozygotes.

Genetic Services Laboratory, University of Chicago
Classification: Benign. Last evaluated: 2013-07-30. Review status: criteria provided, single submitter. Criteria: ACMG Guidelines, 2007. Collection method: clinical testing. Allele origin: germline. Inheritance: Autosomal recessive inheritance.

Breakthrough Genomics
Classification: Likely benign. Review status: criteria provided, single submitter. Criteria: ACMG Guidelines, 2015. Collection method: not provided. Allele origin: germline. Inheritance: Autosomal recessive inheritance. Affected: yes.

Literature cited by the submitters: PubMed 23708187 (cited by Illumina Laboratory Services, Illumina); PubMed 25728773 (cited by Illumina Laboratory Services, Illumina); PubMed 26993267 (cited by Illumina Laboratory Services, Illumina).

NM_007254.4(PNKP):c.58C>T (p.Pro20Ser)

Gene: PNKP (polynucleotide kinase 3'-phosphatase; minus strand). Cytogenetic location: 19q13.33.
Variant type: single nucleotide variant.
Coding change: c.58C>T on transcript NM_007254.4 (MANE Select); coding-DNA position 58, C replaced by T.
Protein change: p.Pro20Ser; replaces proline 20 with serine.
Molecular consequence: missense variant.
Genome position (GRCh38, 1-based): chr19:49,867,147, G>A on the plus strand (C>T on the coding strand, the complement: PNKP is on the minus strand). VCF-style: chr19-49867147-G-A. GRCh37 (hg19) VCF-style: chr19-50370404-G-A.
Other names: p.P20S:CCC>TCC; short protein forms P20S.
Identifiers: ClinVar variation 95486 (VCV000095486.63), dbSNP rs3739168, ClinGen allele CA285671.